The following is an entry in ClinVar:

NM_005876.5(SPEG):c.8872C>T (p.Arg2958Ter)

Genes: ASIC4-AS1 (ASIC4 antisense RNA 1; minus strand), SPEG (striated muscle enriched protein kinase; plus strand). Cytogenetic location: 2q35.
Variant type: single nucleotide variant.
Coding change: c.8872C>T on transcript NM_005876.5 (MANE Select); coding-DNA position 8872, C replaced by T.
Protein change: p.Arg2958Ter; replaces arginine 2958 with a stop codon.
Molecular consequence: nonsense.
Genome position (GRCh38, 1-based): chr2:219,489,890, C>T. VCF-style: chr2-219489890-C-T. GRCh37 (hg19) VCF-style: chr2-220354612-C-T.
Other names: NM_005876.5:c.8872C>T; short protein forms R2958*.
Identifiers: ClinVar variation 2412683 (VCV002412683.1), dbSNP rs764429761, ClinGen allele CA2127580.
Genomic context (GRCh38, chr2:219,489,890, plus strand): 5'-GTGGTCAGCTCCCCTGGGAGCAGTCCCCGAAGCTCTCCCAGGCCTGAGGGTACCACTCTT[C>T]GACAGGGTCCCCCTCAGAAACCCTACACCTTCCTGGAGGAGAAAGCCAGGCAAGCAGGGC-3'

ClinVar aggregate classification (germline): Pathogenic (1 of 4 stars; one submission).

Conditions:
Myopathy, centronuclear, 5 (CNM5). Identifiers: Orphanet 169186, MedGen C4014814, MONDO:0014418, OMIM 615959.

Allele frequency attached by ClinVar (database versions not stated): gnomAD exomes below 0.00001; TOPMed below 0.00001; ExAC 0.00001; gnomAD 0.00001.
gnomAD v4.1: 5 of 1,598,586 alleles (0.00031%); highest among the groups gnomAD compares: South Asian, 0.0011%; no homozygotes.

Submission:

Broad Center for Mendelian Genomics, Broad Institute of MIT and Harvard
Classification: Pathogenic for Myopathy, centronuclear, 5. Last evaluated: 2023-01-25. Review status: criteria provided, single submitter. Criteria: ACMG Guidelines, 2015. Collection method: curation. Allele origin: germline. Inheritance: Autosomal recessive inheritance.
Comment: The p.Arg2958Ter variant in SPEG has been reported in two siblings with congenital myopathy and segregated with disease in these two affected relatives from this one family (PMID: 34742623), but has been identified in 0.003% (1/29644) of South Asian chromosomes by the Genome Aggregation Consortium (gnomAD; dbSNP ID: rs764429761). Although this variant has been seen in the general population in a heterozygous state, its frequency is low enough to be consistent with a recessive carrier frequency. This nonsense variant leads to a premature termination codon at position 2958, which is predicted to lead to a truncated or absent protein. Loss of function of the SPEG gene is an established disease mechanism in autosomal recessive centronuclear myopathy 5. In summary, this variant meets criteria to be classified as pathogenic for autosomal recessive centronuclear myopathy 5. ACMG/AMP Criteria applied: PVS1, PM2_Supporting, PM3_Supporting (Richards 2015).